The following is an entry in ClinVar:

NM_002465.4(MYBPC1):c.783C>T (p.Gly261=)

Gene: MYBPC1 (myosin binding protein C1; plus strand). Cytogenetic location: 12q23.2.
Variant type: single nucleotide variant.
Coding change: c.783C>T on transcript NM_002465.4 (MANE Select); coding-DNA position 783, C replaced by T.
Protein change: p.Gly261=; no amino-acid change (glycine 261 retained).
Molecular consequence: synonymous variant.
Genome position (GRCh38, 1-based): chr12:101,642,536, C>T. VCF-style: chr12-101642536-C-T. GRCh37 (hg19) VCF-style: chr12-102036314-C-T.
Other names: c.708C>T, p.Gly236= (NM_001254718.3, NM_001254719.3, NM_206820.4 and 1 more transcripts); c.672C>T, p.Gly224= (NM_001254720.3); c.651C>T, p.Gly217= (NM_001254721.3, NM_001404676.1, NM_001404678.1); c.630C>T, p.Gly210= (NM_001254722.3, NM_001404680.1); c.669C>T, p.Gly223= (NM_001254723.3); c.783C>T, p.Gly261= (NM_001404675.1, NM_206819.4); c.573C>T, p.Gly191= (NM_001404677.1, NM_001404679.1, NM_001404681.1).
Identifiers: ClinVar variation 4989037 (VCV004989037.1).

ClinVar aggregate classification (germline): Likely benign (1 of 4 stars; one submission).

Conditions:
MYBPC1-related disorder. Also called: MYBPC1-related condition.

Submission:

PreventionGenetics, part of Exact Sciences
Classification: Likely benign for MYBPC1-related condition. Last evaluated: 2024-12-09. Review status: criteria provided, single submitter. Criteria: ACMG Guidelines, 2015. Collection method: clinical testing. Allele origin: germline.
Comment: This variant is classified as likely benign based on ACMG/AMP sequence variant interpretation guidelines (Richards et al. 2015 PMID: 25741868, with internal and published modifications).